The following is an entry in ClinVar:

ClinVar aggregate classification (germline): Uncertain significance (0 of 4 stars; one submission).

Conditions:
Platelet-type bleeding disorder 15 (BDPLT15). Also called: MACROTHROMBOCYTOPENIA, AUTOSOMAL DOMINANT, ACTN1-RELATED. Identifiers: Orphanet 140957, MedGen C3554663, MONDO:0014078, OMIM 615193.

Submission:

ISTH-SSC Genomics in Thrombosis and Hemostasis, KU Leuven, Center for Molecular and Vascular Biology
Classification: Uncertain significance for Platelet-type bleeding disorder 15. Review status: no assertion criteria provided. Collection method: research. Allele origin: unknown. Affected: yes.
Comment: Submitted to GoldVariant by Dr Karyn Mégy from NIHR Bioresource - Cambridge University, UK

NM_001130004.2(ACTN1):c.919C>T (p.His307Tyr)

Gene: ACTN1 (actinin alpha 1; minus strand). Cytogenetic location: 14q24.1.
Variant type: single nucleotide variant.
Coding change: c.919C>T on transcript NM_001130004.2 (MANE Select); coding-DNA position 919, C replaced by T.
Protein change: p.His307Tyr; replaces histidine 307 with tyrosine.
Molecular consequence: missense variant.
Genome position (GRCh38, 1-based): chr14:68,892,220, G>A on the plus strand (C>T on the coding strand, the complement: ACTN1 is on the minus strand). VCF-style: chr14-68892220-G-A. GRCh37 (hg19) VCF-style: chr14-69358937-G-A.
Other names: c.919C>T, p.His307Tyr (NM_001102.4, NM_001130005.2); short protein forms H307Y.
Identifiers: ClinVar variation 1684469 (VCV001684469.1), dbSNP rs2140159523, ClinGen allele CA390188698.